The following is an entry in ClinVar:

ClinVar aggregate classification (germline): Uncertain significance (1 of 4 stars; one submission).

Submission:

Labcorp Genetics (formerly Invitae), Labcorp
Classification: Uncertain significance. Last evaluated: 2024-07-08. Review status: criteria provided, single submitter. Criteria: Invitae Variant Classification Sherloc (09022015). Collection method: clinical testing. Allele origin: germline.
Comment: This sequence change replaces alanine, which is neutral and non-polar, with threonine, which is neutral and polar, at codon 2094 of the FAT2 protein (p.Ala2094Thr). This variant is not present in population databases (gnomAD no frequency). This variant has not been reported in the literature in individuals affected with FAT2-related conditions. ClinVar contains an entry for this variant (Variation ID: 2008087). Advanced modeling of protein sequence and biophysical properties (such as structural, functional, and spatial information, amino acid conservation, physicochemical variation, residue mobility, and thermodynamic stability) has been performed at Invitae for this missense variant, however the output from this modeling did not meet the statistical confidence thresholds required to predict the impact of this variant on FAT2 protein function. In summary, the available evidence is currently insufficient to determine the role of this variant in disease. Therefore, it has been classified as a Variant of Uncertain Significance.

NM_001447.3(FAT2):c.6280G>A (p.Ala2094Thr)

Genes: FAT2 (FAT atypical cadherin 2; minus strand), SLC36A1 (solute carrier family 36 member 1; plus strand). Cytogenetic location: 5q33.1.
Variant type: single nucleotide variant.
Coding change: c.6280G>A on transcript NM_001447.3 (MANE Select); coding-DNA position 6280, G replaced by A.
Protein change: p.Ala2094Thr; replaces alanine 2094 with threonine.
Molecular consequence: missense variant.
Genome position (GRCh38, 1-based): chr5:151,544,847, C>T on the plus strand (G>A on the coding strand, the complement: FAT2 is on the minus strand). VCF-style: chr5-151544847-C-T. GRCh37 (hg19) VCF-style: chr5-150924408-C-T.
Other names: short protein forms A2094T.
Identifiers: ClinVar variation 2008087 (VCV002008087.4), dbSNP rs2479854946, ClinGen allele CA361839399.
Genomic context (GRCh38, chr5:151,544,847, plus strand): 5'-TGTAATCTTCTGCAAATTCATATGTAACAGCCCCATTTGTCCCCAAGTCCTCATCAGTGG[C>T]AGATACCTGAAAGAGGACATCCCCTGGCTCTGTGCCATCTTGGATGATTGTGTAATAGGG-3'
Protein context (NP_001438.1, residues 2084-2104): EPGDVLFQVS[Ala2094Thr]TDEDLGTNGA